The following is an entry in ClinVar:

NM_000384.3(APOB):c.2113T>A (p.Phe705Ile)

Gene: APOB (apolipoprotein B; minus strand). Cytogenetic location: 2p24.1.
Variant type: single nucleotide variant.
Coding change: c.2113T>A on transcript NM_000384.3 (MANE Select); coding-DNA position 2113, T replaced by A.
Protein change: p.Phe705Ile; replaces phenylalanine 705 with isoleucine.
Molecular consequence: missense variant.
Genome position (GRCh38, 1-based): chr2:21,026,919, A>T on the plus strand (T>A on the coding strand, the complement: APOB is on the minus strand). VCF-style: chr2-21026919-A-T. GRCh37 (hg19) VCF-style: chr2-21249791-A-T.
Other names: short protein forms F705I.
Identifiers: ClinVar variation 3231384 (VCV003231384.1), dbSNP rs375826747, ClinGen allele CA055366.

ClinVar aggregate classification (germline): Uncertain significance (1 of 4 stars; one submission).

Conditions:
Cardiovascular phenotype. Identifiers: MedGen CN230736.

Allele frequency attached by ClinVar (database versions not stated): ExAC 0.00001; ESP Exome Variant Server 0.00008.

Submission:

Ambry Genetics
Classification: Uncertain significance for Cardiovascular phenotype. Last evaluated: 2024-03-04. Review status: criteria provided, single submitter. Criteria: Ambry Variant Classification Scheme 2023. Collection method: clinical testing. Allele origin: germline.
Comment: The p.F705I variant (also known as c.2113T>A), located in coding exon 15 of the APOB gene, results from a T to A substitution at nucleotide position 2113. The phenylalanine at codon 705 is replaced by isoleucine, an amino acid with highly similar properties. This amino acid position is conserved. In addition, the in silico prediction for this alteration is inconclusive. Based on the available evidence, the clinical significance of this alteration remains unclear.